The following is an entry in ClinVar:

ClinVar aggregate classification (germline): Uncertain significance (1 of 4 stars; one submission).

Conditions:
Skraban-Deardorff syndrome. Also called: WDR26-Related Intellectual Disability; INTELLECTUAL DISABILITY WITH SEIZURES, ABNORMAL GAIT, AND DISTINCTIVE FACIAL FEATURES. Identifiers: Orphanet 513456, MedGen C4539927, MONDO:0054636, OMIM 617616.

Submission:

Juno Genomics, Hangzhou Juno Genomics, Inc
Classification: Uncertain significance for Skraban-Deardorff syndrome. Review status: criteria provided, single submitter. Criteria: ACMG Guidelines, 2015. Collection method: clinical testing. Allele origin: germline.
Comment: Absent from controls (or at extremely low frequency if recessive) in Genome Aggregation Database.;Missense variant in a gene that has a low rate of benign missense variation.

NM_001379403.1(WDR26):c.155C>T (p.Ser52Phe)

Gene: WDR26 (WD repeat domain 26; minus strand). Cytogenetic location: 1q42.12.
Variant type: single nucleotide variant.
Coding change: c.155C>T on transcript NM_001379403.1 (MANE Select); coding-DNA position 155, C replaced by T.
Protein change: p.Ser52Phe; replaces serine 52 with phenylalanine.
Molecular consequence: missense variant. On other transcripts: 5 prime UTR variant (2).
Genome position (GRCh38, 1-based): chr1:224,434,251, G>A on the plus strand (C>T on the coding strand, the complement: WDR26 is on the minus strand). VCF-style: chr1-224434251-G-A. GRCh37 (hg19) VCF-style: chr1-224621953-G-A.
Other names: c.-146C>T (NM_001115113.3, NM_025160.7); short protein forms S52F.
Identifiers: ClinVar variation 5038001 (VCV005038001.2).
Genomic context (GRCh38, chr1:224,434,251, plus strand): 5'-ACCACTACCACCACGGAGGAGGAGGAGGAGGAGGAGGACGAGGACGACGAGGACGGAGGG[G>A]AGAGGCCTGCTCTGCCTGCCGAAGCCCCGGGCTCTCCTACTCCCTCCGCCGCCGAGGCTC-3'
Protein context (NP_001366332.1, residues 42-62): PGASAGRAGL[Ser52Phe]PPSSSSSSSS